The following is an entry in ClinVar:

ClinVar aggregate classification (germline): Uncertain significance (1 of 4 stars; one submission).

Conditions:
Ehlers-Danlos syndrome, classic type, 1 (EDSCL1). Also called: EDS I; Ehlers-Danlos syndrome, type 1; EHLERS-DANLOS SYNDROME, GRAVIS TYPE; EHLERS-DANLOS SYNDROME, SEVERE CLASSIC TYPE; Ehlers-Danlos Syndrome, Classic Type, COL5A1-Related. Identifiers: MedGen C0268335, MONDO:0019567, OMIM 130000.
Osteogenesis imperfecta type I (OI1). Also called: Osteogenesis imperfecta type 1; Lobstein's Disease; OI, TYPE I; OSTEOGENESIS IMPERFECTA TARDA; OSTEOGENESIS IMPERFECTA WITH BLUE SCLERAE; Lobstein disease. Identifiers: Orphanet 216796, Orphanet 666, MedGen C0023931, MONDO:0008146, OMIM 166200. Disease mechanism: loss of function.

Allele frequency attached by ClinVar (database versions not stated): gnomAD 0.00001; TOPMed 0.00002.
gnomAD v4.1: 1 of 1,613,854 alleles (0.000062%); highest among the groups gnomAD compares: Admixed American, 0.0017%; no homozygotes.

Submission:

Labcorp Genetics (formerly Invitae), Labcorp
Classification: Uncertain significance for Osteogenesis imperfecta type I; Ehlers-Danlos syndrome, classic type, 1. Last evaluated: 2022-08-22. Review status: criteria provided, single submitter. Criteria: Invitae Variant Classification Sherloc (09022015). Collection method: clinical testing. Allele origin: germline.
Comment: In summary, the available evidence is currently insufficient to determine the role of this variant in disease. Therefore, it has been classified as a Variant of Uncertain Significance. Advanced modeling of protein sequence and biophysical properties (such as structural, functional, and spatial information, amino acid conservation, physicochemical variation, residue mobility, and thermodynamic stability) performed at Invitae indicates that this missense variant is not expected to disrupt COL1A2 protein function. This variant has not been reported in the literature in individuals affected with COL1A2-related conditions. This variant is not present in population databases (gnomAD no frequency). This sequence change replaces proline, which is neutral and non-polar, with serine, which is neutral and polar, at codon 1055 of the COL1A2 protein (p.Pro1055Ser).

NM_000089.4(COL1A2):c.3163C>T (p.Pro1055Ser)

Gene: COL1A2 (collagen type I alpha 2 chain; plus strand). Cytogenetic location: 7q21.3.
Variant type: single nucleotide variant.
Coding change: c.3163C>T on transcript NM_000089.4 (MANE Select); coding-DNA position 3163, C replaced by T.
Protein change: p.Pro1055Ser; replaces proline 1055 with serine.
Molecular consequence: missense variant.
Genome position (GRCh38, 1-based): chr7:94,427,191, C>T. VCF-style: chr7-94427191-C-T. GRCh37 (hg19) VCF-style: chr7-94056503-C-T.
Other names: short protein forms P1055S.
Identifiers: ClinVar variation 1717793 (VCV001717793.6), dbSNP rs1249891493, ClinGen allele CA368225411.